The following is an entry in ClinVar:

NC_000012.11:g.(?_6058042)_(6155984_6161708)del

Gene: VWF (von Willebrand factor; minus strand). Cytogenetic location: 12p13.31.
Variant type: Deletion.
Identifiers: ClinVar variation 3902443 (VCV003902443.1).

ClinVar aggregate classification (germline): Pathogenic (1 of 4 stars; one submission).

Conditions:
von Willebrand disorder (VWD). Also called: von Willebrand Diseases; Von Willebrand disease (hereditary or acquired); von Willebrand's disease. Identifiers: MedGen C0042974, MeSH D014842, MONDO:0024574.

Submission:

Women's Health and Genetics/Laboratory Corporation of America, LabCorp
Classification: Pathogenic for von Willebrand disorder. Last evaluated: 2025-05-07. Review status: criteria provided, single submitter. Criteria: LabCorp Variant Classification Summary - May 2015. Collection method: clinical testing. Allele origin: germline.
Comment: Variant summary: The variant involves the deletion of exons 17-52 in the VWF gene. A presumed nomenclature of c.(2186+1_2187-1)_(*139_?)del has been designated for the purposes of this classification. The exact breakpoint at the distal 3' end of this variant is unknown, therefore this deletion may extend downstream of the annotated region of the gene. As it encompasses the termination codon, it is predicted to escape nonsense mediated decay (NMD). The variant was absent in 120780 control chromosomes in the gnomAD database (Structural Variants v4.1 dataset). The available data on variant occurrences in the general population are insufficient to allow any conclusion about variant significance. To our knowledge no affected individuals with this deletion are reported. However, other deletions that include the termination codon (i.e. the last exon) have been reported in patients (e.g. PMIDs: 24675615, 11057846, 2141064). In addition, smaller in-frame deletion(s) and missense changes within the deleted region have been classified as pathogenic by our lab, and several others (ClinVar). No submitters have cited clinical-significance assessments for this variant to ClinVar. Based on the evidence outlined above, the variant was classified as pathogenic.

Literature cited by the submitters: PubMed 11057846; PubMed 24675615; PubMed 21410641.